The following is an entry in ClinVar:

NM_013275.6(ANKRD11):c.7857G>A (p.Val2619=)

Gene: ANKRD11 (ankyrin repeat domain containing 11; minus strand). Cytogenetic location: 16q24.3.
Variant type: single nucleotide variant.
Coding change: c.7857G>A on transcript NM_013275.6 (MANE Select); coding-DNA position 7857, G replaced by A.
Protein change: p.Val2619=; no amino-acid change (valine 2619 retained).
Molecular consequence: synonymous variant.
Genome position (GRCh38, 1-based): chr16:89,268,613, C>T on the plus strand (G>A on the coding strand, the complement: ANKRD11 is on the minus strand). VCF-style: chr16-89268613-C-T. GRCh37 (hg19) VCF-style: chr16-89335021-C-T.
Other names: c.7857G>A, p.Val2619= (NM_001256182.2, NM_001256183.2).
Identifiers: ClinVar variation 3355455 (VCV003355455.1).
Genomic context (GRCh38, chr16:89,268,613, plus strand): 5'-CAGGGACTTGTGCCCGGCGGGGTCCAGTTCCTGCACCTTCAGCTGCCACTCCATCCTCTG[C>T]ACGGCGTTCAGGGCCGCGGCCTCGTGCTGCTGCCGCATGAGGAGGCAAGTCTGCGGGACA-3'
Protein context (NP_037407.4, residues 2609-2629): QQHEAAALNA[Val2619=]QRMEWQLKVQ

ClinVar aggregate classification (germline): Likely benign (0 of 4 stars; one submission).

Conditions:
ANKRD11-related disorder. Also called: ANKRD11-related condition.

gnomAD v4.1: 1 of 1,561,620 alleles (0.000064%); highest among the groups gnomAD compares: African/African-American, 0.0014%; no homozygotes.

Submission:

PreventionGenetics, part of Exact Sciences
Classification: Likely benign for ANKRD11-related condition. Last evaluated: 2024-04-10. Review status: no assertion criteria provided. Collection method: clinical testing. Allele origin: germline.
Comment: This variant is classified as likely benign based on ACMG/AMP sequence variant interpretation guidelines (Richards et al. 2015 PMID: 25741868, with internal and published modifications).